The following is an entry in ClinVar:

ClinVar aggregate classification (germline): Likely benign (0 of 4 stars; one submission).

Conditions:
IL1A-related disorder. Also called: IL1A-related condition.

Allele frequency attached by ClinVar (database versions not stated): gnomAD exomes 0.00019; ExAC 0.00073; ESP Exome Variant Server 0.00192; 1000 Genomes Project 30x 0.00203; gnomAD 0.00218; 1000 Genomes Project 0.00220; TOPMed 0.00241.

Submission:

PreventionGenetics, part of Exact Sciences
Classification: Likely benign for IL1A-related condition. Last evaluated: 2019-11-08. Review status: no assertion criteria provided. Collection method: clinical testing. Allele origin: germline.
Comment: This variant is classified as likely benign based on ACMG/AMP sequence variant interpretation guidelines (Richards et al. 2015 PMID: 25741868, with internal and published modifications).

NM_000575.5(IL1A):c.268C>A (p.Gln90Lys)

Gene: IL1A (interleukin 1 alpha; minus strand). Cytogenetic location: 2q14.1.
Variant type: single nucleotide variant.
Coding change: c.268C>A on transcript NM_000575.5 (MANE Select); coding-DNA position 268, C replaced by A.
Protein change: p.Gln90Lys; replaces glutamine 90 with lysine.
Molecular consequence: missense variant.
Genome position (GRCh38, 1-based): chr2:112,781,655, G>T on the plus strand (C>A on the coding strand, the complement: IL1A is on the minus strand). VCF-style: chr2-112781655-G-T. GRCh37 (hg19) VCF-style: chr2-113539232-G-T.
Other names: c.268C>A, p.Gln90Lys (NM_001371554.1); short protein forms Q90K.
Identifiers: ClinVar variation 3045022 (VCV003045022.2), dbSNP rs142134831, ClinGen allele CA1837120.